The following is an entry in ClinVar:

ClinVar aggregate classification (germline): Uncertain significance (1 of 4 stars; one submission).

Submission:

Labcorp Genetics (formerly Invitae), Labcorp
Classification: Uncertain significance. Last evaluated: 2021-10-11. Review status: criteria provided, single submitter. Criteria: Invitae Variant Classification Sherloc (09022015). Collection method: clinical testing. Allele origin: germline.
Comment: This variant has not been reported in the literature in individuals affected with TSFM-related conditions. This variant is not present in population databases (ExAC no frequency). This sequence change replaces serine with leucine at codon 202 of the TSFM protein (p.Ser202Leu). The serine residue is moderately conserved and there is a large physicochemical difference between serine and leucine. Algorithms developed to predict the effect of missense changes on protein structure and function (SIFT, PolyPhen-2, Align-GVGD) all suggest that this variant is likely to be tolerated. In summary, the available evidence is currently insufficient to determine the role of this variant in disease. Therefore, it has been classified as a Variant of Uncertain Significance.

NM_005726.6(TSFM):c.542C>T (p.Ser181Leu)

Gene: TSFM (Ts translation elongation factor, mitochondrial; plus strand). Cytogenetic location: 12q14.1.
Variant type: single nucleotide variant.
Coding change: c.542C>T on transcript NM_005726.6 (MANE Select); coding-DNA position 542, C replaced by T.
Protein change: p.Ser181Leu; replaces serine 181 with leucine.
Molecular consequence: missense variant. On other transcripts: intron variant (1).
Genome position (GRCh38, 1-based): chr12:57,793,044, C>T. VCF-style: chr12-57793044-C-T. GRCh37 (hg19) VCF-style: chr12-58186827-C-T.
Other names: c.605C>T, p.Ser202Leu (NM_001172696.2); c.542C>T, p.Ser181Leu (NM_001172697.2); c.484-3133C>T (NM_001172695.2); short protein forms S202L, S181L.
Identifiers: ClinVar variation 1451111 (VCV001451111.6), dbSNP rs2140424365, ClinGen allele CA385529171.
Genomic context (GRCh38, chr12:57,793,044, plus strand): 5'-AGGGTTTCTTGAATTCCTCTGAGCTTTCTGGACTTCCAGCTGGGCCTGACAGAGAAGGCT[C>T]ACTCAAGGATCAGTTGGCTTTAGCAATTGGTGAGTATTTGTAAAGGTTCTGGAAACTGGA-3'
Protein context (NP_005717.3, residues 171-191): GLPAGPDREG[Ser181Leu]LKDQLALAIG